The following is an entry in ClinVar:

ClinVar aggregate classification (germline): Conflicting classifications of pathogenicity. Review status: criteria provided, conflicting classifications (1 of 4 stars). 5 submissions from 5 submitters: Pathogenic (1); Likely pathogenic (2); Uncertain significance (2). Last evaluated 2026-09-01.

Conditions:
Pigmentary skin disorders.
SLC45A2-related disorder. Also called: SLC45A2-related condition.

Allele frequency attached by ClinVar (database versions not stated): gnomAD 0.00003 and 0.00002; 1000 Genomes Project 30x 0.00031; TOPMed 0.00005; 1000 Genomes Project 0.00020.
gnomAD v4.1: 220 of 1,613,970 alleles (0.014%); highest among the groups gnomAD compares: Non-Finnish European, 0.018%; no homozygotes.

Submissions (5):

PreventionGenetics, part of Exact Sciences
Classification: Likely pathogenic for SLC45A2-related condition. Last evaluated: 2026-09-01. Review status: criteria provided, single submitter. Criteria: ACMG Guidelines, 2015. Collection method: clinical testing. Allele origin: germline.
Comment: The SLC45A2 c.593G>A variant is predicted to result in the amino acid substitution p.Gly198Asp. This variant has been reported in the compound heterozygous state or with a second SLC45A2 variant in multiple individuals with oculocutaneous albinism (Hutton et al. 2008. PubMed ID: 18463683; Marti et al. 2017. PubMed ID: 28976636; Table S3, Loftus et al. 2023. PubMed ID: 37327787; Internal Data, PreventionGenetics). This missense variant is predicted to be damaging to the encoded protein (REVEL score >0.773, Ioannidis et al. 2016. PubMed ID: 27666373). This variant is present in 0.0062% of alleles in individuals of European (Non-Finnish) descent in gnomAD. This variant is interpreted as likely pathogenic.

Genetics Laboratory, Great Ormond Street Hospital NHS Foundation Trust, North Thames Genomic Laboratory Hub
Classification: Likely pathogenic for Pigmentary skin disorders. Last evaluated: 2026-07-07. Review status: criteria provided, single submitter. Criteria: ACGS Best Practice Guidelines for Variant Classification in Rare Disease 2024 v1.2. Collection method: clinical testing. Allele origin: germline. Affected: yes.
Comment: PS4_moderate, PM2_moderate, PP3_supporting, PM3_moderate

Labcorp Genetics (formerly Invitae), Labcorp
Classification: Pathogenic. Last evaluated: 2025-12-03. Review status: criteria provided, single submitter. Criteria: Invitae Variant Classification Sherloc (09022015). Collection method: clinical testing. Allele origin: germline.
Comment: This sequence change replaces glycine, which is neutral and non-polar, with aspartic acid, which is acidic and polar, at codon 198 of the SLC45A2 protein (p.Gly198Asp). This variant is present in population databases (rs201259497, gnomAD 0.007%). This missense change has been observed in individual(s) with clinical features of oculocutaneous albinism (PMID: 18463683, 28976636, 29345414; internal data). In at least one individual the data is consistent with being in trans (on the opposite chromosome) from a pathogenic variant. ClinVar contains an entry for this variant (Variation ID: 1316040). Invitae Evidence Modeling of protein sequence and biophysical properties (such as structural, functional, and spatial information, amino acid conservation, physicochemical variation, residue mobility, and thermodynamic stability) indicates that this missense variant is expected to disrupt SLC45A2 protein function with a positive predictive value of 80%. For these reasons, this variant has been classified as Pathogenic.

Blueprint Genetics
Classification: Uncertain significance. Last evaluated: 2024-10-23. Review status: criteria provided, single submitter. Criteria: ACMG Guidelines, 2015. Collection method: clinical testing. Allele origin: germline.

GeneDx
Classification: Uncertain significance. Last evaluated: 2023-01-03. Review status: criteria provided, single submitter. Criteria: GeneDx Variant Classification Process June 2021. Collection method: clinical testing. Allele origin: germline. Affected: yes.
Comment: In silico analysis, which includes protein predictors and evolutionary conservation, supports a deleterious effect; This variant is associated with the following publications: (PMID: 27019209, 34662886, 18463683, 28976636)

Literature cited by the submitters: PubMed 18463683 (cited by Labcorp Genetics (formerly Invitae), Labcorp); PubMed 28976636 (cited by Labcorp Genetics (formerly Invitae), Labcorp); PubMed 29345414 (cited by Labcorp Genetics (formerly Invitae), Labcorp).

NM_016180.5(SLC45A2):c.593G>A (p.Gly198Asp)

Gene: SLC45A2 (solute carrier family 45 member 2; minus strand). Cytogenetic location: 5p13.2.
Variant type: single nucleotide variant.
Coding change: c.593G>A on transcript NM_016180.5 (MANE Select); coding-DNA position 593, G replaced by A.
Protein change: p.Gly198Asp; replaces glycine 198 with aspartic acid.
Molecular consequence: missense variant. On other transcripts: intron variant (1).
Genome position (GRCh38, 1-based): chr5:33,963,986, C>T on the plus strand (G>A on the coding strand, the complement: SLC45A2 is on the minus strand). VCF-style: chr5-33963986-C-T. GRCh37 (hg19) VCF-style: chr5-33964091-C-T.
Other names: c.593G>A, p.Gly198Asp (NM_001012509.4); c.563-9482G>A (NM_001297417.4); c.593G>A (NM_016180.4); short protein forms G198D.
Identifiers: ClinVar variation 1316040 (VCV001316040.11), dbSNP rs201259497, ClinGen allele CA3225736.